The following is an entry in ClinVar:

ClinVar aggregate classification (germline): Uncertain significance (1 of 4 stars; one submission).

Conditions:
X-linked immunodeficiency with magnesium defect, Epstein-Barr virus infection and neoplasia. Identifiers: Orphanet 317476, MedGen C3275445, MONDO:0010455, OMIM 300853.

Submission:

Labcorp Genetics (formerly Invitae), Labcorp
Classification: Uncertain significance for X-linked immunodeficiency with magnesium defect, Epstein-Barr virus infection and neoplasia. Last evaluated: 2018-12-14. Review status: criteria provided, single submitter. Criteria: Invitae Variant Classification Sherloc (09022015). Collection method: clinical testing. Allele origin: germline.
Comment: This variant has not been reported in the literature in individuals with MAGT1-related conditions. In summary, the available evidence is currently insufficient to determine the role of this variant in disease. Therefore, it has been classified as a Variant of Uncertain Significance. Algorithms developed to predict the effect of missense changes on protein structure and function (SIFT, PolyPhen-2, Align-GVGD) all suggest that this variant is likely to be tolerated, but these predictions have not been confirmed by published functional studies and their clinical significance is uncertain. This variant is present in population databases (rs782043620, ExAC 0.01%). This sequence change replaces methionine with leucine at codon 165 of the MAGT1 protein (p.Met165Leu). The methionine residue is moderately conserved and there is a small physicochemical difference between methionine and leucine.

NM_001367916.1(MAGT1):c.397A>T (p.Met133Leu)

Gene: MAGT1 (magnesium transporter 1; minus strand). Cytogenetic location: Xq21.1.
Variant type: single nucleotide variant.
Coding change: c.397A>T on transcript NM_001367916.1 (MANE Select); coding-DNA position 397, A replaced by T.
Protein change: p.Met133Leu; replaces methionine 133 with leucine.
Molecular consequence: missense variant.
Genome position (GRCh38, 1-based): chrX:77,857,491, T>A on the plus strand (A>T on the coding strand, the complement: MAGT1 is on the minus strand). VCF-style: chrX-77857491-T-A. GRCh37 (hg19) VCF-style: chrX-77112988-T-A.
Other names: c.493A>T, p.Met165Leu (LRG_353t1, NM_032121.5); short protein forms M133L, M165L.
Identifiers: ClinVar variation 652043 (VCV000652043.8), dbSNP rs782043620, ClinGen allele CA10458532.
Genomic context (GRCh38, chrX:77,857,491, plus strand): 5'-TATCACCCCGTTTGGGTTTCCCTTTTGCAGGAAAGTTGATGAAAGTTGGAGCTGAATTCA[T>A]GTTTAGCTGAATAAAAACGAGCCATGAAAATATACATTATCAGGAAAATAATCTTAATTG-3'
Protein context (NP_001354845.1, residues 123-143): EGSDVFQMLN[Met133Leu]NSAPTFINFP